The following is an entry in ClinVar:

NM_201384.3(PLEC):c.5863G>A (p.Ala1955Thr)

Gene: PLEC (plectin; minus strand). Cytogenetic location: 8q24.3.
Variant type: single nucleotide variant.
Coding change: c.5863G>A on transcript NM_201384.3 (MANE Select); coding-DNA position 5863, G replaced by A.
Protein change: p.Ala1955Thr; replaces alanine 1955 with threonine.
Molecular consequence: missense variant.
Genome position (GRCh38, 1-based): chr8:143,924,066, C>T on the plus strand (G>A on the coding strand, the complement: PLEC is on the minus strand). VCF-style: chr8-143924066-C-T. GRCh37 (hg19) VCF-style: chr8-144998234-C-T.
Other names: c.5944G>A (NM_000445.3); c.5944G>A, p.Ala1982Thr (NM_000445.5); c.5821G>A, p.Ala1941Thr (NM_201378.4); c.5797G>A, p.Ala1933Thr (NM_201379.3); c.6274G>A, p.Ala2092Thr (NM_201380.4); c.5767G>A, p.Ala1923Thr (NM_201381.3); c.5863G>A, p.Ala1955Thr (NM_201382.4); c.5875G>A, p.Ala1959Thr (NM_201383.3); short protein forms A1959T, A2092T, A1923T, A1933T, A1941T, A1955T, A1982T.
Identifiers: ClinVar variation 597551 (VCV000597551.17), dbSNP rs200374705, ClinGen allele CA4926209.

ClinVar aggregate classification (germline): Uncertain significance. Review status: criteria provided, multiple submitters, no conflicts (2 of 4 stars). 5 submissions from 5 submitters: Uncertain significance (5). Last evaluated 2026-05-28.

Conditions:
Epidermolysis bullosa simplex 5B, with muscular dystrophy (EBS5B). Also called: Epidermolysis bullosa simplex with muscular dystrophy; EPIDERMOLYSIS BULLOSA SIMPLEX AND LIMB-GIRDLE MUSCULAR DYSTROPHY. Identifiers: Orphanet 257, MedGen C2931072, MONDO:0009181, OMIM 226670.
Autosomal recessive limb-girdle muscular dystrophy type 2Q (LGMDR17). Also called: MUSCULAR DYSTROPHY, LIMB-GIRDLE, AUTOSOMAL RECESSIVE 17. Identifiers: Orphanet 254361, MedGen C3150989, MONDO:0013390, OMIM 613723.
Epidermolysis bullosa simplex 5C, with pyloric atresia (EBS5C). Also called: PLEC-Related Epidermolysis Bullosa with Pyloric Atresia; PLEC1-Related Epidermolysis Bullosa with Pyloric Atresia; Epidermolysis bullosa simplex with pyloric atresia. Identifiers: Orphanet 158684, MedGen C2677349, MONDO:0012807, OMIM 612138.
Epidermolysis bullosa simplex, Ogna type (EBS5A). Also called: Pidermolysis bullosa simplex 5A, Ogna type; EPIDERMOLYSIS BULLOSA SIMPLEX 5A, OGNA TYPE. Identifiers: Orphanet 79401, MedGen C0432317, MONDO:0007555, OMIM 131950.
Epidermolysis bullosa simplex with nail dystrophy (EBS5D). Identifiers: MedGen C4225309, MONDO:0014661, OMIM 616487.
Inborn genetic diseases. Identifiers: MedGen C0950123, MeSH D030342.
PLEC-related disorder. Also called: PLEC-related condition; PLEC-related disorders.

Allele frequency attached by ClinVar (database versions not stated): gnomAD 0.00003 and 0.00004; TOPMed 0.00005; gnomAD exomes 0.00007 and 0.00011; ExAC 0.00008; ESP Exome Variant Server 0.00008; 1000 Genomes Project 30x 0.00016; 1000 Genomes Project 0.00020.
gnomAD v4.1: 102 of 1,597,778 alleles (0.0064%); highest among the groups gnomAD compares: East Asian, 0.18%; no homozygotes.

Submissions (5):

PreventionGenetics, part of Exact Sciences
Classification: Uncertain significance for PLEC-related condition. Last evaluated: 2026-05-28. Review status: criteria provided, single submitter. Criteria: ACMG Guidelines, 2015. Collection method: clinical testing. Allele origin: germline.
Comment: The PLEC c.5944G>A variant is predicted to result in the amino acid substitution p.Ala1982Thr. To our knowledge, this variant has not been reported in the literature. This variant is reported in 0.13% of alleles in individuals of East Asian descent in gnomAD. Although we suspect that this variant may be benign, at this time, the clinical significance of this variant is uncertain due to the absence of conclusive functional and genetic evidence.

Labcorp Genetics (formerly Invitae), Labcorp
Classification: Uncertain significance for Autosomal recessive limb-girdle muscular dystrophy type 2Q; Epidermolysis bullosa simplex, Ogna type; Epidermolysis bullosa simplex with nail dystrophy; Epidermolysis bullosa simplex 5C, with pyloric atresia; Epidermolysis bullosa simplex 5B, with muscular dystrophy. Last evaluated: 2025-12-03. Review status: criteria provided, single submitter. Criteria: Invitae Variant Classification Sherloc (09022015). Collection method: clinical testing. Allele origin: germline.
Comment: This sequence change replaces alanine, which is neutral and non-polar, with threonine, which is neutral and polar, at codon 1982 of the PLEC protein (p.Ala1982Thr). This variant is present in population databases (rs200374705, gnomAD 0.1%). This variant has not been reported in the literature in individuals affected with PLEC-related conditions. ClinVar contains an entry for this variant (Variation ID: 597551). Experimental studies and prediction algorithms are not available or were not evaluated, and the functional significance of this variant is currently unknown. In summary, the available evidence is currently insufficient to determine the role of this variant in disease. Therefore, it has been classified as a Variant of Uncertain Significance.

Ambry Genetics
Classification: Uncertain significance for Inborn genetic diseases. Last evaluated: 2021-08-12. Review status: criteria provided, single submitter. Criteria: Ambry Variant Classification Scheme 2023. Collection method: clinical testing. Allele origin: germline.

Revvity Omics, Revvity
Classification: Uncertain significance. Last evaluated: 2019-06-12. Review status: criteria provided, single submitter. Criteria: ACMG Guidelines, 2015. Collection method: clinical testing. Allele origin: germline.

Eurofins Ntd Llc (ga)
Classification: Uncertain significance. Last evaluated: 2018-06-14. Review status: criteria provided, single submitter. Criteria: EGL ClinVar v180209 classification definitions. Collection method: clinical testing. Allele origin: germline. Observed: 1 variant allele, 1 heterozygote.